The following is an entry in ClinVar:

NM_017763.6(RNF43):c.58A>C (p.Thr20Pro)

Gene: RNF43 (ring finger protein 43; minus strand). Cytogenetic location: 17q22.
Variant type: single nucleotide variant.
Coding change: c.58A>C on transcript NM_017763.6 (MANE Select); coding-DNA position 58, A replaced by C.
Protein change: p.Thr20Pro; replaces threonine 20 with proline.
Molecular consequence: missense variant.
Genome position (GRCh38, 1-based): chr17:58,415,520, T>G on the plus strand (A>C on the coding strand, the complement: RNF43 is on the minus strand). VCF-style: chr17-58415520-T-G. GRCh37 (hg19) VCF-style: chr17-56492881-T-G.
Other names: c.58A>C, p.Thr20Pro (NM_001305544.3); short protein forms T20P.
Identifiers: ClinVar variation 3946893 (VCV003946893.2).

ClinVar aggregate classification (germline): Uncertain significance. Review status: criteria provided, multiple submitters, no conflicts (2 of 4 stars). 2 submissions from 2 submitters: Uncertain significance (2). Last evaluated 2026-01-28.

Submissions (2):

Labcorp Genetics (formerly Invitae), Labcorp
Classification: Uncertain significance. Last evaluated: 2026-01-28. Review status: criteria provided, single submitter. Criteria: Invitae Variant Classification Sherloc (09022015). Collection method: clinical testing. Allele origin: germline.
Comment: This sequence change replaces threonine, which is neutral and polar, with proline, which is neutral and non-polar, at codon 20 of the RNF43 protein (p.Thr20Pro). This variant is not present in population databases (gnomAD no frequency). This variant has not been reported in the literature in individuals affected with RNF43-related conditions. ClinVar contains an entry for this variant (Variation ID: 3946893). An algorithm developed to predict the effect of missense changes on protein structure and function (PolyPhen-2) suggests that this variant is likely to be disruptive. Algorithms developed to predict the effect of sequence changes on RNA splicing suggest that this variant may create or strengthen a splice site. In summary, the available evidence is currently insufficient to determine the role of this variant in disease. Therefore, it has been classified as a Variant of Uncertain Significance.

Ambry Genetics
Classification: Uncertain significance. Last evaluated: 2025-05-17. Review status: criteria provided, single submitter. Criteria: Ambry Variant Classification Scheme 2023. Collection method: clinical testing. Allele origin: germline.
Comment: The p.T20P variant (also known as c.58A>C), located in coding exon 1 of the RNF43 gene, results from an A to C substitution at nucleotide position 58. The threonine at codon 20 is replaced by proline, an amino acid with highly similar properties. This amino acid position is conserved. In addition, the in silico prediction for this alteration is inconclusive. Based on the available evidence, the clinical significance of this variant remains unclear.